The following is an entry in ClinVar:

NM_198576.4(AGRN):c.5753_5754del (p.Tyr1918fs)

Gene: AGRN (agrin; plus strand). Cytogenetic location: 1p36.33.
Variant type: Deletion.
Coding change: c.5753_5754del on transcript NM_198576.4 (MANE Select); coding-DNA positions 5753 to 5754, 2 bases deleted (AT; older notation c.5753_5754delAT).
Protein change: p.Tyr1918fs; shifts the reading frame from tyrosine 1918.
Molecular consequence: frameshift variant.
Genome position (GRCh38, 1-based): chr1:1,053,854-1,053,855, AT deleted; deleting any 2 consecutive bases within chr1:1,053,853-1,053,855 gives the same sequence; the c. name uses the placement nearest the transcript's 3' end. VCF-style (leftmost placement, unchanged base first): chr1-1053852-CTA-C. GRCh37 (hg19) VCF-style: chr1-989232-CTA-C.
Other names: c.5822_5823del, p.Tyr1941fs (NM_001305275.2); c.5450_5451del, p.Tyr1817fs (NM_001364727.2); short protein forms Y1918fs, Y1817fs, Y1941fs.
Identifiers: ClinVar variation 1397221 (VCV001397221.8), dbSNP rs753401796, ClinGen allele CA510220.

ClinVar aggregate classification (germline): Pathogenic (1 of 4 stars; one submission).

Conditions:
Congenital myasthenic syndrome 8. Also called: MYASTHENIC SYNDROME, CONGENITAL, DUE TO AGRIN DEFICIENCY; Myasthenic syndrome, congenital, 8, with pre- and postsynaptic defects. Identifiers: Orphanet 590, MedGen C3808739, MONDO:0014052, OMIM 615120.

Submission:

Labcorp Genetics (formerly Invitae), Labcorp
Classification: Pathogenic for Congenital myasthenic syndrome 8. Last evaluated: 2023-09-25. Review status: criteria provided, single submitter. Criteria: Invitae Variant Classification Sherloc (09022015). Collection method: clinical testing. Allele origin: germline.
Comment: For these reasons, this variant has been classified as Pathogenic. ClinVar contains an entry for this variant (Variation ID: 1397221). This premature translational stop signal has been observed in individual(s) with congenital myasthenic syndrome (Invitae). This variant is present in population databases (rs753401796, gnomAD 0.02%). This sequence change creates a premature translational stop signal (p.Tyr1918Cysfs*41) in the AGRN gene. It is expected to result in an absent or disrupted protein product. Loss-of-function variants in AGRN are known to be pathogenic (PMID: 24951643).

Literature cited by the submitters: PubMed 24951643.